The following is an entry in ClinVar:

NM_006648.4(WNK2):c.1103T>C (p.Met368Thr)

Gene: WNK2 (WNK lysine deficient protein kinase 2; plus strand). Cytogenetic location: 9q22.31.
Variant type: single nucleotide variant.
Coding change: c.1103T>C on transcript NM_006648.4 (MANE Select); coding-DNA position 1103, T replaced by C.
Protein change: p.Met368Thr; replaces methionine 368 with threonine.
Molecular consequence: missense variant.
Genome position (GRCh38, 1-based): chr9:93,234,835, T>C. VCF-style: chr9-93234835-T-C. GRCh37 (hg19) VCF-style: chr9-95997117-T-C.
Other names: c.1103T>C, p.Met368Thr (NM_001282394.3); short protein forms M368T.
Identifiers: ClinVar variation 4844917 (VCV004844917.1).
Genomic context (GRCh38, chr9:93,234,835, plus strand): 5'-GCTGACAGCTGCGTCTGTTGCTTCCGGGCACAGGTACTCCCGAGTTCATGGCGCCCGAGA[T>C]GTACGAGGAGCACTACGATGAGTCCGTGGACGTCTATGCCTTTGGGATGTGCATGCTGGA-3'
Protein context (NP_006639.3, residues 358-378): IGTPEFMAPE[Met368Thr]YEEHYDESVD

ClinVar aggregate classification (germline): Uncertain significance (1 of 4 stars; one submission).

Submission:

Ambry Genetics
Classification: Uncertain significance. Last evaluated: 2026-02-21. Review status: criteria provided, single submitter. Criteria: Ambry Variant Classification Scheme 2023. Collection method: clinical testing. Allele origin: germline.
Comment: The p.M368T variant (also known as c.1103T>C), located in coding exon 4 of the WNK2 gene, results from a T to C substitution at nucleotide position 1103. The methionine at codon 368 is replaced by threonine, an amino acid with similar properties. This amino acid position is conserved. In addition, the in silico prediction for this alteration is inconclusive. Based on the available evidence, the clinical significance of this variant remains unclear.